The following is an entry in ClinVar:

NM_024642.5(GALNT12):c.671T>A (p.Leu224Gln)

Gene: GALNT12 (polypeptide N-acetylgalactosaminyltransferase 12; plus strand). Cytogenetic location: 9q22.33.
Variant type: single nucleotide variant.
Coding change: c.671T>A on transcript NM_024642.5 (MANE Select); coding-DNA position 671, T replaced by A.
Protein change: p.Leu224Gln; replaces leucine 224 with glutamine.
Molecular consequence: missense variant.
Genome position (GRCh38, 1-based): chr9:98,826,881, T>A. VCF-style: chr9-98826881-T-A. GRCh37 (hg19) VCF-style: chr9-101589163-T-A.
Other names: short protein forms L224Q.
Identifiers: ClinVar variation 4028014 (VCV004028014.1).

ClinVar aggregate classification (germline): Uncertain significance (1 of 4 stars; one submission).

Submission:

Ambry Genetics
Classification: Uncertain significance. Last evaluated: 2025-05-07. Review status: criteria provided, single submitter. Criteria: Ambry Variant Classification Scheme 2023. Collection method: clinical testing. Allele origin: germline.
Comment: The p.L224Q variant (also known as c.671T>A), located in coding exon 3 of the GALNT12 gene, results from a T to A substitution at nucleotide position 671. The leucine at codon 224 is replaced by glutamine, an amino acid with dissimilar properties. This amino acid position is conserved. In addition, this alteration is predicted to be deleterious by in silico analysis. Based on the available evidence, the clinical significance of this variant remains unclear.